The following is an entry in ClinVar:

ClinVar aggregate classification (germline): Likely benign. Review status: criteria provided, single submitter (1 of 4 stars). 2 submissions from 2 submitters: Likely benign (1). 1 of the submissions does not count toward it. Last evaluated 2026-08-01.

Conditions:
TET3-related disorder. Also called: TET3-Related Disease; TET3-related condition.

Allele frequency attached by ClinVar (database versions not stated): ESP Exome Variant Server 0.00109.
gnomAD v4.1: 2,246 of 1,613,820 alleles (0.14%); highest among the groups gnomAD compares: Non-Finnish European, 0.17%; 4 homozygotes.

Submissions (2):

CeGaT Center for Human Genetics Tuebingen
Classification: Likely benign. Last evaluated: 2026-08-01. Review status: criteria provided, single submitter. Criteria: CeGaT Center For Human Genetics Tuebingen Variant Classification Criteria Version 2. Collection method: clinical testing. Allele origin: germline. Affected: yes. Observed: 4 variant alleles.
Comment: TET3: BP4, BP7

PreventionGenetics, part of Exact Sciences
Classification: Likely benign for TET3-related condition. Last evaluated: 2019-11-11. Review status: no assertion criteria provided. Collection method: clinical testing. Allele origin: germline. Not counted in ClinVar's aggregate classification.
Comment: This variant is classified as likely benign based on ACMG/AMP sequence variant interpretation guidelines (Richards et al. 2015 PMID: 25741868, with internal and published modifications).

NM_001287491.2(TET3):c.4602G>T (p.Pro1534=)

Gene: TET3 (tet methylcytosine dioxygenase 3; plus strand). Cytogenetic location: 2p13.1.
Variant type: single nucleotide variant.
Coding change: c.4602G>T on transcript NM_001287491.2 (MANE Select); coding-DNA position 4602, G replaced by T.
Protein change: p.Pro1534=; no amino-acid change (proline 1534 retained).
Molecular consequence: synonymous variant.
Genome position (GRCh38, 1-based): chr2:74,101,390, G>T. VCF-style: chr2-74101390-G-T. GRCh37 (hg19) VCF-style: chr2-74328517-G-T.
Other names: c.4323G>T, p.Pro1441= (NM_001366022.1); c.4602G>T (NM_001287491.1).
Identifiers: ClinVar variation 1335394 (VCV001335394.36), dbSNP rs371898753, ClinGen allele CA1719261.
Genomic context (GRCh38, chr2:74,101,390, plus strand): 5'-CCCCTGCAAGTTTGGGAACAGCACCTCGGCCTTGGCTGGGCCCAGCCTGACTGAGAAGCC[G>T]TGGGCGCTGGGGGCAGGGGATTTCAACTCGGCCCTGAAAGGTAGTCCTGGGTTCCAAGAC-3'
Protein context (NP_001274420.1, residues 1524-1544): ALAGPSLTEK[Pro1534=]WALGAGDFNS